The following is an entry in ClinVar:

NM_004100.5(EYA4):c.33+5G>C

Gene: EYA4 (EYA transcriptional coactivator and phosphatase 4; plus strand). Cytogenetic location: 6q23.2.
Variant type: single nucleotide variant.
Coding change: c.33+5G>C on transcript NM_004100.5 (MANE Select); 5 bases into the intron after coding-DNA position 33, G replaced by C.
Molecular consequence: intron variant.
Genome position (GRCh38, 1-based): chr6:133,274,818, G>C. VCF-style: chr6-133274818-G-C. GRCh37 (hg19) VCF-style: chr6-133595956-G-C.
Other names: c.33+5G>C (NM_001301013.2, NM_172105.4, NM_001370458.1 and 3 more transcripts).
Identifiers: ClinVar variation 864418 (VCV000864418.1), dbSNP rs1777030034, ClinGen allele CA916082899.
Genomic context (GRCh38, chr6:133,274,818, plus strand): 5'-GGCAGGAGAAGTGAGAAAACCACATGGAAGACTCCCAGGATTTAAATGAACAATCAGTAA[G>C]TCTTCATTCTCAGTTTTGCTGAAAAAAGTTGCGATAACACTACTGAAAATCATACGTAAA-3'

ClinVar aggregate classification (germline): Uncertain significance (1 of 4 stars; one submission).

Conditions:
Dilated cardiomyopathy 1J (CMD1J). Also called: CARDIOMYOPATHY, DILATED, WITH SENSORINEURAL HEARING LOSS, AUTOSOMAL DOMINANT. Identifiers: Orphanet 217622, MedGen C1854368, MONDO:0011541, OMIM 605362.

Submission:

Labcorp Genetics (formerly Invitae), Labcorp
Classification: Uncertain significance for Dilated cardiomyopathy 1J. Last evaluated: 2019-02-25. Review status: criteria provided, single submitter. Criteria: Invitae Variant Classification Sherloc (09022015). Collection method: clinical testing. Allele origin: germline.
Comment: This sequence change falls in intron 2 of the EYA4 gene. It does not directly change the encoded amino acid sequence of the EYA4 protein, but it affects a nucleotide within the consensus splice site of the intron. This variant is not present in population databases (ExAC no frequency). This variant has not been reported in the literature in individuals with EYA4-related conditions. Nucleotide substitutions within the consensus splice site are a relatively common cause of aberrant splicing (PMID: 17576681, 9536098). Algorithms developed to predict the effect of sequence changes on RNA splicing suggest that this variant may disrupt the consensus splice site, but this prediction has not been confirmed by published transcriptional studies. In summary, the available evidence is currently insufficient to determine the role of this variant in disease. Therefore, it has been classified as a Variant of Uncertain Significance.